The following is an entry in ClinVar:

ClinVar aggregate classification (germline): Uncertain significance (1 of 4 stars; one submission).

Submission:

GeneDx
Classification: Uncertain significance. Last evaluated: 2021-05-25. Review status: criteria provided, single submitter. Criteria: GeneDx Variant Classification Process June 2021. Collection method: clinical testing. Allele origin: germline. Affected: yes.
Comment: Not observed at significant frequency in large population cohorts (Lek et al., 2016); Frameshift variant predicted to result in protein truncation or nonsense mediated decay in a gene for which loss-of-function is not a known mechanism of disease; Has not been previously published as pathogenic or benign to our knowledge

NM_020928.2(ZSWIM6):c.1718dup (p.Asp574fs)

Gene: ZSWIM6 (zinc finger SWIM-type containing 6; plus strand). Cytogenetic location: 5q12.1.
Variant type: Duplication.
Coding change: c.1718dup on transcript NM_020928.2 (MANE Select); coding-DNA position 1718, one base duplicated (T; older notation c.1718dupT).
Protein change: p.Asp574fs; shifts the reading frame from aspartic acid 574.
Molecular consequence: frameshift variant.
Genome position (GRCh38, 1-based): chr5:61,526,277, T duplicated. VCF-style (leftmost placement, unchanged base first): chr5-61526276-G-GT. GRCh37 (hg19) VCF-style: chr5-60822103-G-GT.
Other names: short protein forms D574fs.
Identifiers: ClinVar variation 1302987 (VCV001302987.2), dbSNP rs2112268888, ClinGen allele CA2573052520.